The following is an entry in ClinVar:

ClinVar aggregate classification (germline): Likely benign. Review status: criteria provided, multiple submitters, no conflicts (2 of 4 stars). 2 submissions from 2 submitters: Likely benign (2). Last evaluated 2025-10-03.

Allele frequency attached by ClinVar (database versions not stated): TOPMed below 0.00001; gnomAD exomes 0.00002; ExAC 0.00003; gnomAD 0.00003.
gnomAD v4.1: 30 of 1,612,958 alleles (0.0019%); highest among the groups gnomAD compares: Non-Finnish European, 0.0015%; 1 homozygote.

Submissions (2):

Labcorp Genetics (formerly Invitae), Labcorp
Classification: Likely benign. Last evaluated: 2025-10-03. Review status: criteria provided, single submitter. Criteria: Invitae Variant Classification Sherloc (09022015). Collection method: clinical testing. Allele origin: germline.

CeGaT Center for Human Genetics Tuebingen
Classification: Likely benign. Last evaluated: 2022-08-01. Review status: criteria provided, single submitter. Criteria: CeGaT Center For Human Genetics Tuebingen Variant Classification Criteria Version 2. Collection method: clinical testing. Allele origin: germline. Affected: yes. Observed: 1 variant allele.
Comment: RAI1: BP4, BP7

NM_030665.4(RAI1):c.765C>T (p.Ser255=)

Gene: RAI1 (retinoic acid induced 1; plus strand). Cytogenetic location: 17p11.2.
Variant type: single nucleotide variant.
Coding change: c.765C>T on transcript NM_030665.4 (MANE Select); coding-DNA position 765, C replaced by T.
Protein change: p.Ser255=; no amino-acid change (serine 255 retained).
Molecular consequence: synonymous variant.
Genome position (GRCh38, 1-based): chr17:17,793,713, C>T. VCF-style: chr17-17793713-C-T. GRCh37 (hg19) VCF-style: chr17-17697027-C-T.
Identifiers: ClinVar variation 2167248 (VCV002167248.28), dbSNP rs779408231, ClinGen allele CA8418186.